The following is an entry in ClinVar:

ClinVar aggregate classification (germline): Uncertain significance (1 of 4 stars; one submission).

Conditions:
Familial adenomatous polyposis 1 (FAP1). Also called: FAMILIAL ADENOMATOUS POLYPOSIS 1, ATTENUATED; POLYPOSIS, ADENOMATOUS INTESTINAL. Identifiers: MedGen C2713442, MONDO:0021056, OMIM 175100. Disease mechanism: loss of function.

gnomAD v4.1: 1 of 1,370,224 alleles (0.000073%); highest among the groups gnomAD compares: African/African-American, 0.0014%; no homozygotes.

Submission:

Labcorp Genetics (formerly Invitae), Labcorp
Classification: Uncertain significance for Familial adenomatous polyposis 1. Last evaluated: 2022-05-30. Review status: criteria provided, single submitter. Criteria: Invitae Variant Classification Sherloc (09022015). Collection method: clinical testing. Allele origin: germline.
Comment: This variant occurs in a non-coding region of the APC gene. It does not change the encoded amino acid sequence of the APC protein. This variant is not present in population databases (gnomAD no frequency). This variant has not been reported in the literature in individuals affected with APC-related conditions. ClinVar contains an entry for this variant (Variation ID: 469790). Experimental studies and prediction algorithms are not available or were not evaluated, and the functional significance of this variant is currently unknown. In summary, the available evidence is currently insufficient to determine the role of this variant in disease. Therefore, it has been classified as a Variant of Uncertain Significance.

NM_001127511.3(APC):c.130G>C (p.Ala44Pro)

Gene: APC (APC regulator of Wnt signaling pathway; plus strand). Cytogenetic location: 5q22.2.
Variant type: single nucleotide variant.
Coding change: c.130G>C on transcript NM_001127511.3; coding-DNA position 130, G replaced by C.
Protein change: p.Ala44Pro; replaces alanine 44 with proline.
Molecular consequence: missense variant. On other transcripts: 5 prime UTR variant (8), non-coding transcript variant (1), intron variant (5).
Genome position (GRCh38, 1-based): chr5:112,707,847, G>C. VCF-style: chr5-112707847-G-C. GRCh37 (hg19) VCF-style: chr5-112043544-G-C.
Other names: c.-54G>C (NM_001354895.2, NM_001407447.1, NM_001407452.1 and 3 more transcripts); c.130G>C, p.Ala44Pro (NM_001354897.2, NM_001354902.2, NM_001407446.1); c.-1089G>C (NM_001407470.1, NM_001407472.1); c.-19+198G>C (NM_001407448.1, NM_001407450.1, NM_001407457.1 and 1 more transcripts); c.-43+198G>C (NM_001407453.1); short protein forms A44P.
Identifiers: ClinVar variation 469790 (VCV000469790.11), dbSNP rs367773779, ClinGen allele CA360612075.